The following is an entry in ClinVar:

ClinVar aggregate classification (germline): Uncertain significance (1 of 4 stars; one submission).

Conditions:
Hereditary cancer-predisposing syndrome. Also called: Tumor predisposition; Hereditary neoplastic syndrome; Hereditary Cancer Syndrome; Neoplastic Syndromes, Hereditary. Identifiers: Orphanet 140162, MedGen C0027672, MeSH D009386, MONDO:0015356.

Allele frequency attached by ClinVar (database versions not stated): gnomAD 0.00001.
gnomAD v4.1: 1 of 1,614,058 alleles (0.000062%); highest among the groups gnomAD compares: African/African-American, 0.0013%; no homozygotes.

Submission:

Ambry Genetics
Classification: Uncertain significance for Hereditary cancer-predisposing syndrome. Last evaluated: 2023-09-27. Review status: criteria provided, single submitter. Criteria: Ambry Variant Classification Scheme 2023. Collection method: clinical testing. Allele origin: germline.
Comment: The p.S390R variant (also known as c.1170C>A), located in coding exon 4 of the AXIN2 gene, results from a C to A substitution at nucleotide position 1170. The serine at codon 390 is replaced by arginine, an amino acid with dissimilar properties. This amino acid position is conserved. In addition, this alteration is predicted to be tolerated by in silico analysis. Since supporting evidence is limited at this time, the clinical significance of this alteration remains unclear.

NM_004655.4(AXIN2):c.1170C>A (p.Ser390Arg)

Gene: AXIN2 (axin 2; minus strand). Cytogenetic location: 17q24.1.
Variant type: single nucleotide variant.
Coding change: c.1170C>A on transcript NM_004655.4 (MANE Select); coding-DNA position 1170, C replaced by A.
Protein change: p.Ser390Arg; replaces serine 390 with arginine.
Molecular consequence: missense variant.
Genome position (GRCh38, 1-based): chr17:65,538,233, G>T on the plus strand (C>A on the coding strand, the complement: AXIN2 is on the minus strand). VCF-style: chr17-65538233-G-T. GRCh37 (hg19) VCF-style: chr17-63534351-G-T.
Other names: c.1170C>A, p.Ser390Arg (NM_001363813.1); short protein forms S390R.
Identifiers: ClinVar variation 3224349 (VCV003224349.1), dbSNP rs1598100816, ClinGen allele CA400678229.